The following is an entry in ClinVar:

NM_006031.6(PCNT):c.1606G>A (p.Glu536Lys)

Gene: PCNT (pericentrin; plus strand). Cytogenetic location: 21q22.3.
Variant type: single nucleotide variant.
Coding change: c.1606G>A on transcript NM_006031.6 (MANE Select); coding-DNA position 1606, G replaced by A.
Protein change: p.Glu536Lys; replaces glutamic acid 536 with lysine.
Molecular consequence: missense variant.
Genome position (GRCh38, 1-based): chr21:46,353,253, G>A. VCF-style: chr21-46353253-G-A. GRCh37 (hg19) VCF-style: chr21-47773167-G-A.
Other names: c.1252G>A, p.Glu418Lys (NM_001315529.2); short protein forms E418K, E536K.
Identifiers: ClinVar variation 1310794 (VCV001310794.2), dbSNP rs750239503, ClinGen allele CA10078670.

ClinVar aggregate classification (germline): Uncertain significance (1 of 4 stars; one submission).

Allele frequency attached by ClinVar (database versions not stated): gnomAD exomes 0.00002; ExAC 0.00003.
gnomAD v4.1: 23 of 1,614,172 alleles (0.0014%); highest among the groups gnomAD compares: South Asian, 0.025%; no homozygotes.

Submission:

GeneDx
Classification: Uncertain significance. Last evaluated: 2019-12-04. Review status: criteria provided, single submitter. Criteria: GeneDx Variant Classification Process June 2021. Collection method: clinical testing. Allele origin: germline. Affected: yes.
Comment: In silico analysis, which includes protein predictors and evolutionary conservation, supports a deleterious effect; Missense variant in a gene in which most reported pathogenic variants are truncating/loss-of-function; Has not been previously published as pathogenic or benign to our knowledge